The following is an entry in ClinVar:

ClinVar aggregate classification (germline): Uncertain significance (1 of 4 stars; one submission).

Conditions:
Werner syndrome (WRN). Identifiers: Orphanet 902, MedGen C0043119, MONDO:0010196, OMIM 277700.

Allele frequency attached by ClinVar (database versions not stated): gnomAD exomes below 0.00001.
gnomAD v4.1: 2 of 1,614,060 alleles (0.00012%); no homozygotes.

Submission:

Labcorp Genetics (formerly Invitae), Labcorp
Classification: Uncertain significance for Werner syndrome. Last evaluated: 2023-10-22. Review status: criteria provided, single submitter. Criteria: Invitae Variant Classification Sherloc (09022015). Collection method: clinical testing. Allele origin: germline.
Comment: This sequence change replaces isoleucine, which is neutral and non-polar, with phenylalanine, which is neutral and non-polar, at codon 1201 of the WRN protein (p.Ile1201Phe). This variant is not present in population databases (gnomAD no frequency). This variant has not been reported in the literature in individuals affected with WRN-related conditions. ClinVar contains an entry for this variant (Variation ID: 1062237). An algorithm developed to predict the effect of missense changes on protein structure and function (PolyPhen-2) suggests that this variant is likely to be disruptive. In summary, the available evidence is currently insufficient to determine the role of this variant in disease. Therefore, it has been classified as a Variant of Uncertain Significance.

NM_000553.6(WRN):c.3601A>T (p.Ile1201Phe)

Gene: WRN (WRN RecQ like helicase; plus strand). Cytogenetic location: 8p12.
Variant type: single nucleotide variant.
Coding change: c.3601A>T on transcript NM_000553.6 (MANE Select); coding-DNA position 3601, A replaced by T.
Protein change: p.Ile1201Phe; replaces isoleucine 1201 with phenylalanine.
Molecular consequence: missense variant.
Genome position (GRCh38, 1-based): chr8:31,150,369, A>T. VCF-style: chr8-31150369-A-T. GRCh37 (hg19) VCF-style: chr8-31007885-A-T.
Other names: short protein forms I1201F.
Identifiers: ClinVar variation 1062237 (VCV001062237.3), dbSNP rs2130454038, ClinGen allele CA370927500.